The following is an entry in ClinVar:

NM_133368.3(RSPRY1):c.1006C>T (p.His336Tyr)

Gene: RSPRY1 (ring finger and SPRY domain containing 1; plus strand). Cytogenetic location: 16q13.
Variant type: single nucleotide variant.
Coding change: c.1006C>T on transcript NM_133368.3 (MANE Select); coding-DNA position 1006, C replaced by T.
Protein change: p.His336Tyr; replaces histidine 336 with tyrosine.
Molecular consequence: missense variant.
Genome position (GRCh38, 1-based): chr16:57,220,836, C>T. VCF-style: chr16-57220836-C-T. GRCh37 (hg19) VCF-style: chr16-57254748-C-T.
Other names: c.1006C>T, p.His336Tyr (NM_001305163.2, NM_001305164.2); short protein forms H336Y.
Identifiers: ClinVar variation 1363940 (VCV001363940.8), dbSNP rs369476435, ClinGen allele CA8074617.

ClinVar aggregate classification (germline): Uncertain significance (1 of 4 stars; one submission).

Allele frequency attached by ClinVar (database versions not stated): gnomAD exomes below 0.00001; ExAC 0.00001; gnomAD 0.00001; TOPMed 0.00003; ESP Exome Variant Server 0.00008.

Submission:

Labcorp Genetics (formerly Invitae), Labcorp
Classification: Uncertain significance. Last evaluated: 2021-07-14. Review status: criteria provided, single submitter. Criteria: Invitae Variant Classification Sherloc (09022015). Collection method: clinical testing. Allele origin: germline.
Comment: This sequence change replaces histidine with tyrosine at codon 336 of the RSPRY1 protein (p.His336Tyr). The histidine residue is moderately conserved and there is a moderate physicochemical difference between histidine and tyrosine. This variant is present in population databases (rs369476435, ExAC 0.01%). This variant has not been reported in the literature in individuals affected with RSPRY1-related conditions. Algorithms developed to predict the effect of missense changes on protein structure and function (SIFT, PolyPhen-2, Align-GVGD) all suggest that this variant is likely to be tolerated. In summary, the available evidence is currently insufficient to determine the role of this variant in disease. Therefore, it has been classified as a Variant of Uncertain Significance.